The following is an entry in ClinVar:

ClinVar aggregate classification (germline): Benign/Likely benign. Review status: criteria provided, multiple submitters, no conflicts (2 of 4 stars). 5 submissions from 5 submitters: Benign (1); Likely benign (4). Last evaluated 2026-04-01.

Allele frequency attached by ClinVar (database versions not stated): gnomAD exomes 0.00010 and 0.00037; gnomAD 0.00013 and 0.00014; ExAC 0.00032; TOPMed 0.00033; 1000 Genomes Project 30x 0.00094; 1000 Genomes Project 0.00100.
gnomAD v4.1: 242 of 1,613,540 alleles (0.015%); highest among the groups gnomAD compares: East Asian, 0.25%; 1 homozygote.

Submissions (5):

CeGaT Center for Human Genetics Tuebingen
Classification: Likely benign. Last evaluated: 2026-04-01. Review status: criteria provided, single submitter. Criteria: CeGaT Center For Human Genetics Tuebingen Variant Classification Criteria Version 2. Collection method: clinical testing. Allele origin: germline. Affected: yes. Observed: 1 variant allele.
Comment: SPTB: BP4, BP7

Labcorp Genetics (formerly Invitae), Labcorp
Classification: Benign. Last evaluated: 2025-10-14. Review status: criteria provided, single submitter. Criteria: Invitae Variant Classification Sherloc (09022015). Collection method: clinical testing. Allele origin: germline.

Blueprint Genetics
Classification: Likely benign. Last evaluated: 2024-10-28. Review status: criteria provided, single submitter. Criteria: ACMG Guidelines, 2015. Collection method: clinical testing. Allele origin: germline.

ARUP Laboratories, Molecular Genetics and Genomics, ARUP Laboratories
Classification: Likely benign. Last evaluated: 2022-12-30. Review status: criteria provided, single submitter. Criteria: ARUP Molecular Germline Variant Investigation Process 2024. Collection method: clinical testing. Allele origin: germline.

PreventionGenetics, part of Exact Sciences
Classification: Likely benign. Review status: criteria provided, single submitter. Criteria: ACMG Guidelines, 2015. Collection method: clinical testing. Allele origin: germline.

NM_001355436.2(SPTB):c.5943C>T (p.Arg1981=)

Gene: SPTB (spectrin beta, erythrocytic; minus strand). Cytogenetic location: 14q23.3.
Variant type: single nucleotide variant.
Coding change: c.5943C>T on transcript NM_001355436.2 (MANE Select); coding-DNA position 5943, C replaced by T.
Protein change: p.Arg1981=; no amino-acid change (arginine 1981 retained).
Molecular consequence: synonymous variant.
Genome position (GRCh38, 1-based): chr14:64,769,113, G>A on the plus strand (C>T on the coding strand, the complement: SPTB is on the minus strand). VCF-style: chr14-64769113-G-A. GRCh37 (hg19) VCF-style: chr14-65235831-G-A.
Other names: c.5943C>T, p.Arg1981= (NM_001024858.4, NM_001355437.2).
Identifiers: ClinVar variation 257131 (VCV000257131.17), dbSNP rs75000411, ClinGen allele CA7229800.